The following is an entry in ClinVar:

ClinVar aggregate classification (germline): Uncertain significance (1 of 4 stars; one submission).

Conditions:
KNL1-related disorder. Also called: KNL1-related condition.

Allele frequency attached by ClinVar (database versions not stated): ExAC 0.00001; gnomAD exomes 0.00001; TOPMed 0.00002.
gnomAD v4.1: 24 of 1,613,970 alleles (0.0015%); highest among the groups gnomAD compares: South Asian, 0.0077%; no homozygotes.

Submission:

PreventionGenetics, part of Exact Sciences
Classification: Uncertain significance for KNL1-related condition. Last evaluated: 2025-02-06. Review status: criteria provided, single submitter. Criteria: ACMG Guidelines, 2015. Collection method: clinical testing. Allele origin: germline.
Comment: The KNL1 c.4105A>G variant is predicted to result in the amino acid substitution p.Asn1369Asp. To our knowledge, this variant has not been reported in the literature. This variant is reported in 0.0018% of alleles in individuals of European (Non-Finnish) descent in gnomAD. At this time, the clinical significance of this variant is uncertain due to the absence of conclusive functional and genetic evidence.

NM_144508.5(KNL1):c.4027A>G (p.Asn1343Asp)

Gene: KNL1 (kinetochore scaffold 1; plus strand). Cytogenetic location: 15q15.1.
Variant type: single nucleotide variant.
Coding change: c.4027A>G on transcript NM_144508.5 (MANE Select); coding-DNA position 4027, A replaced by G.
Protein change: p.Asn1343Asp; replaces asparagine 1343 with aspartic acid.
Molecular consequence: missense variant.
Genome position (GRCh38, 1-based): chr15:40,624,291, A>G. VCF-style: chr15-40624291-A-G. GRCh37 (hg19) VCF-style: chr15-40916489-A-G.
Other names: c.4105A>G, p.Asn1369Asp (NM_170589.5); short protein forms N1343D, N1369D.
Identifiers: ClinVar variation 2628563 (VCV002628563.2), dbSNP rs758001293, ClinGen allele CA7483113.